The following is an entry in ClinVar:

NM_020821.3(VPS13C):c.6286+4A>G

Gene: VPS13C (vacuolar protein sorting 13 homolog C; minus strand). Cytogenetic location: 15q22.2.
Variant type: single nucleotide variant.
Coding change: c.6286+4A>G on transcript NM_020821.3 (MANE Select); 4 bases into the intron after coding-DNA position 6286, A replaced by G.
Molecular consequence: intron variant.
Genome position (GRCh38, 1-based): chr15:61,929,497, T>C on the plus strand (A>G on the coding strand, the complement: VPS13C is on the minus strand). VCF-style: chr15-61929497-T-C. GRCh37 (hg19) VCF-style: chr15-62221696-T-C.
Other names: c.6157+4A>G (NM_017684.5, NM_018080.4); c.6286+4A>G (NM_001018088.3).
Identifiers: ClinVar variation 1940046 (VCV001940046.5), dbSNP rs769544137, ClinGen allele CA7595597.
Genomic context (GRCh38, chr15:61,929,497, plus strand): 5'-TTCTGGTTTGTAATTCTTGTCAAAATATACAAGTTGTCATCTATGACAGATAAATTCTGC[T>C]AACCTTTCTCTATCTTGACCTTCCCTGTGGCAGTCTGTCTTGGTAAAATCTGTGTTTCTT-3'

ClinVar aggregate classification (germline): Uncertain significance (1 of 4 stars; one submission).

Allele frequency attached by ClinVar (database versions not stated): gnomAD exomes below 0.00001; TOPMed below 0.00001; ExAC 0.00001.
gnomAD v4.1: 1 of 1,612,588 alleles (0.000062%); highest among the groups gnomAD compares: Non-Finnish European, 0.000085%; no homozygotes.

Submission:

Labcorp Genetics (formerly Invitae), Labcorp
Classification: Uncertain significance. Last evaluated: 2022-03-28. Review status: criteria provided, single submitter. Criteria: Invitae Variant Classification Sherloc (09022015). Collection method: clinical testing. Allele origin: germline.
Comment: In summary, the available evidence is currently insufficient to determine the role of this variant in disease. Therefore, it has been classified as a Variant of Uncertain Significance. Variants that disrupt the consensus splice site are a relatively common cause of aberrant splicing (PMID: 17576681, 9536098). Algorithms developed to predict the effect of sequence changes on RNA splicing suggest that this variant may create or strengthen a splice site. This variant has not been reported in the literature in individuals affected with VPS13C-related conditions. This variant is present in population databases (rs769544137, gnomAD 0.0009%). This sequence change falls in intron 51 of the VPS13C gene. It does not directly change the encoded amino acid sequence of the VPS13C protein. It affects a nucleotide within the consensus splice site.

Literature cited by the submitters: PubMed 17576681; PubMed 9536098.